The following is an entry in ClinVar:

ClinVar aggregate classification (germline): Uncertain significance (1 of 4 stars; one submission).

Conditions:
Idiopathic generalized epilepsy. Also called: Generalised epilepsy; EIG. Identifiers: MedGen C0270850, MONDO:0005579, OMIM 600669.
Hyperaldosteronism, familial, type IV (HALD4). Also called: FH IV; ALDOSTERONISM, PRIMARY, AND HYPERTENSION. Identifiers: Orphanet 642671, MedGen C4310756, MONDO:0014875, OMIM 617027.

gnomAD v4.1: 2 of 1,610,534 alleles (0.00012%); highest among the groups gnomAD compares: Non-Finnish European, 0.000085%; no homozygotes.

Submission:

Labcorp Genetics (formerly Invitae), Labcorp
Classification: Uncertain significance for Idiopathic generalized epilepsy; Hyperaldosteronism, familial, type IV. Last evaluated: 2020-11-21. Review status: criteria provided, single submitter. Criteria: Invitae Variant Classification Sherloc (09022015). Collection method: clinical testing. Allele origin: germline.
Comment: In summary, the available evidence is currently insufficient to determine the role of this variant in disease. Therefore, it has been classified as a Variant of Uncertain Significance. Nucleotide substitutions within the consensus splice site are a relatively common cause of aberrant splicing (PMID: 17576681, 9536098). Algorithms developed to predict the effect of sequence changes on RNA splicing suggest that this variant is not likely to affect RNA splicing, but this prediction has not been confirmed by published transcriptional studies. This variant has not been reported in the literature in individuals with CACNA1H-related conditions. This variant is not present in population databases (ExAC no frequency). This sequence change falls in intron 26 of the CACNA1H gene. It does not directly change the encoded amino acid sequence of the CACNA1H protein. It affects a nucleotide within the consensus splice site of the intron.

Literature cited by the submitters: PubMed 17576681; PubMed 9536098.

NM_021098.3(CACNA1H):c.4777+5C>G

Gene: CACNA1H (calcium voltage-gated channel subunit alpha1 H; plus strand). Cytogenetic location: 16p13.3.
Variant type: single nucleotide variant.
Coding change: c.4777+5C>G on transcript NM_021098.3 (MANE Select); 5 bases into the intron after coding-DNA position 4777, C replaced by G.
Molecular consequence: intron variant.
Genome position (GRCh38, 1-based): chr16:1,212,533, C>G. VCF-style: chr16-1212533-C-G. GRCh37 (hg19) VCF-style: chr16-1262533-C-G.
Other names: c.4759+395C>G (NM_001005407.2).
Identifiers: ClinVar variation 1487461 (VCV001487461.6), dbSNP rs370513262, ClinGen allele CA718072920.